The following is an entry in ClinVar:

NM_012062.5(DNM1L):c.2192G>A (p.Arg731Gln)

Gene: DNM1L (dynamin 1 like; plus strand). Cytogenetic location: 12p11.21.
Variant type: single nucleotide variant.
Coding change: c.2192G>A on transcript NM_012062.5 (MANE Select); coding-DNA position 2192, G replaced by A.
Protein change: p.Arg731Gln; replaces arginine 731 with glutamine.
Molecular consequence: missense variant.
Genome position (GRCh38, 1-based): chr12:32,743,391, G>A. VCF-style: chr12-32743391-G-A. GRCh37 (hg19) VCF-style: chr12-32896325-G-A.
Other names: c.2159G>A, p.Arg720Gln (NM_001278463.2); c.2231G>A, p.Arg744Gln (NM_001278464.2); c.2198G>A, p.Arg733Gln (NM_001278465.2); c.1583G>A, p.Arg528Gln (NM_001278466.2); c.2120G>A, p.Arg707Gln (NM_001330380.2); c.2081G>A, p.Arg694Gln (NM_005690.5); c.2114G>A, p.Arg705Gln (NM_012063.4); short protein forms R707Q, R731Q, R733Q, R694Q, R705Q, R720Q, R744Q, R528Q.
Identifiers: ClinVar variation 1974126 (VCV001974126.5), dbSNP rs2541139358, ClinGen allele CA384366482.

ClinVar aggregate classification (germline): Uncertain significance (1 of 4 stars; one submission).

gnomAD v4.1: 1 of 1,613,824 alleles (0.000062%); highest among the groups gnomAD compares: Non-Finnish European, 0.000085%; no homozygotes.

Submission:

Labcorp Genetics (formerly Invitae), Labcorp
Classification: Uncertain significance. Last evaluated: 2022-03-23. Review status: criteria provided, single submitter. Criteria: Invitae Variant Classification Sherloc (09022015). Collection method: clinical testing. Allele origin: germline.
Comment: In summary, the available evidence is currently insufficient to determine the role of this variant in disease. Therefore, it has been classified as a Variant of Uncertain Significance. This sequence change replaces arginine, which is basic and polar, with glutamine, which is neutral and polar, at codon 731 of the DNM1L protein (p.Arg731Gln). This variant is not present in population databases (gnomAD no frequency). This variant has not been reported in the literature in individuals affected with DNM1L-related conditions. Algorithms developed to predict the effect of missense changes on protein structure and function are either unavailable or do not agree on the potential impact of this missense change (SIFT: "Tolerated"; PolyPhen-2: "Probably Damaging"; Align-GVGD: "Class C0").